The following is an entry in ClinVar:

NM_182914.3(SYNE2):c.11157_11163+7del

Gene: SYNE2 (spectrin repeat containing nuclear envelope protein 2; plus strand). Cytogenetic location: 14q23.2.
Variant type: Deletion.
Coding change: c.11157_11163+7del on transcript NM_182914.3 (MANE Select); coding-DNA position 11157 through 7 bases into the intron after coding-DNA position 11163, 14 bases deleted (TCAAAAGGTAAAAT).
Molecular consequence: splice donor variant.
Genome position (GRCh38, 1-based): chr14:64,078,600-64,078,613, TCAAAAGGTAAAAT deleted; deleting any 14 consecutive bases within chr14:64,078,596-64,078,613 gives the same sequence; the c. name uses the placement nearest the transcript's 3' end. VCF-style (leftmost placement, unchanged base first): chr14-64078595-GAAATTCAAAAGGTA-G. GRCh37 (hg19) VCF-style: chr14-64545313-GAAATTCAAAAGGTA-G.
Other names: c.11157_11163+7del (NM_015180.6).
Identifiers: ClinVar variation 937875 (VCV000937875.7), dbSNP rs2097489968, ClinGen allele CA1139663508.

ClinVar aggregate classification (germline): Uncertain significance (1 of 4 stars; one submission).

Conditions:
Emery-Dreifuss muscular dystrophy 5, autosomal dominant (EDMD5). Also called: EMERY-DREIFUSS MUSCULAR DYSTROPHY 5. Identifiers: Orphanet 261, MedGen C2751805, MONDO:0013072, OMIM 612999.

Submission:

Labcorp Genetics (formerly Invitae), Labcorp
Classification: Uncertain significance for Emery-Dreifuss muscular dystrophy 5, autosomal dominant. Last evaluated: 2023-07-17. Review status: criteria provided, single submitter. Criteria: Invitae Variant Classification Sherloc (09022015). Collection method: clinical testing. Allele origin: germline.
Comment: In summary, the available evidence is currently insufficient to determine the role of this variant in disease. Therefore, it has been classified as a Variant of Uncertain Significance. Algorithms developed to predict the effect of sequence changes on RNA splicing suggest that this variant may disrupt the consensus splice site. This variant results in the deletion of part of exon 55 (c.11157_11163+7del) of the SYNE2 gene. It is expected to disrupt RNA splicing. Variants that disrupt the donor or acceptor splice site typically lead to a loss of protein function (PMID: 16199547), however the current clinical and genetic evidence is not sufficient to establish whether loss-of-function variants in SYNE2 cause disease. This variant is not present in population databases (gnomAD no frequency). This variant has not been reported in the literature in individuals affected with SYNE2-related conditions. ClinVar contains an entry for this variant (Variation ID: 937875).

Literature cited by the submitters: PubMed 16199547.